The following is an entry in ClinVar:

NM_000218.3(KCNQ1):c.1394-8641T>C

Genes: KCNQ1 (potassium voltage-gated channel subfamily Q member 1; plus strand), KCNQ1OT1 (KCNQ1 opposite strand/antisense transcript 1; minus strand). Cytogenetic location: 11p15.5.
Variant type: single nucleotide variant.
Coding change: c.1394-8641T>C on transcript NM_000218.3 (MANE Select); 8641 bases into the intron before coding-DNA position 1394, T replaced by C.
Molecular consequence: intron variant.
Genome position (GRCh38, 1-based): chr11:2,653,320, T>C. VCF-style: chr11-2653320-T-C. GRCh37 (hg19) VCF-style: chr11-2674550-T-C.
Other names: c.1298-8641T>C (NM_001406836.1); c.854-8641T>C (NM_001406838.1); c.1013-8641T>C (NM_181798.2); c.1124-8641T>C (NM_001406837.1).
Identifiers: ClinVar variation 1879176 (VCV001879176.29), dbSNP rs189989708, ClinGen allele CA216164724.

ClinVar aggregate classification (germline): Benign (1 of 4 stars; one submission).

Allele frequency attached by ClinVar (database versions not stated): gnomAD 0.00015; gnomAD exomes 0.00019; TOPMed 0.00025; 1000 Genomes Project 0.00080; 1000 Genomes Project 30x 0.00094.
gnomAD v4.1: 87 of 398,720 alleles (0.022%); highest among the groups gnomAD compares: Middle Eastern, 0.13%; no homozygotes.

Submission:

CeGaT Center for Human Genetics Tuebingen
Classification: Benign. Last evaluated: 2024-09-01. Review status: criteria provided, single submitter. Criteria: CeGaT Center For Human Genetics Tuebingen Variant Classification Criteria Version 2. Collection method: clinical testing. Allele origin: germline. Affected: yes. Observed: 6 variant alleles.
Comment: KCNQ1OT1: BS1, BS2